The following is an entry in ClinVar:

NM_000535.7(PMS2):c.1507T>C (p.Ser503Pro)

Gene: PMS2 (PMS1 homolog 2, mismatch repair system component; minus strand). Cytogenetic location: 7p22.1.
Variant type: single nucleotide variant.
Coding change: c.1507T>C on transcript NM_000535.7 (MANE Select); coding-DNA position 1507, T replaced by C.
Protein change: p.Ser503Pro; replaces serine 503 with proline.
Molecular consequence: missense variant. On other transcripts: non-coding transcript variant (1).
Genome position (GRCh38, 1-based): chr7:5,987,258, A>G on the plus strand (T>C on the coding strand, the complement: PMS2 is on the minus strand). VCF-style: chr7-5987258-A-G. GRCh37 (hg19) VCF-style: chr7-6026889-A-G.
Other names: c.1102T>C, p.Ser368Pro (NM_001322003.2, NM_001322004.2, NM_001322005.2 and 1 more transcripts); c.1351T>C, p.Ser451Pro (NM_001322006.2); c.1189T>C, p.Ser397Pro (NM_001322007.2, NM_001322008.2); c.946T>C, p.Ser316Pro (NM_001322010.2); c.574T>C, p.Ser192Pro (NM_001322011.2, NM_001322012.2); c.934T>C, p.Ser312Pro (NM_001322013.2); c.1507T>C, p.Ser503Pro (NM_001322014.2); c.1198T>C, p.Ser400Pro (NM_001322015.2); short protein forms S503P, S316P, S368P, S400P, S192P, S312P, S397P, S451P.
Identifiers: ClinVar variation 455654 (VCV000455654.8), dbSNP rs864622497, ClinGen allele CA366741738.

ClinVar aggregate classification (germline): Uncertain significance (1 of 4 stars; one submission).

Conditions:
Hereditary nonpolyposis colorectal neoplasms. Identifiers: MedGen C0009405, MeSH D003123.

Submission:

Labcorp Genetics (formerly Invitae), Labcorp
Classification: Uncertain significance for Hereditary nonpolyposis colorectal neoplasms. Last evaluated: 2017-06-19. Review status: criteria provided, single submitter. Criteria: Invitae Variant Classification Sherloc (09022015). Collection method: clinical testing. Allele origin: germline.
Comment: In summary, the available evidence is currently insufficient to determine the role of this variant in disease. Therefore, it has been classified as a Variant of Uncertain Significance. Algorithms developed to predict the effect of missense changes on protein structure and function output the following: SIFT: "Tolerated"; PolyPhen-2: "Benign"; Align-GVGD: "Class C0". The proline amino acid residue is found in multiple mammalian species, suggesting that this missense change does not adversely affect protein function. These predictions have not been confirmed by published functional studies and their clinical significance is uncertain. This variant has not been reported in the literature in individuals with PMS2-related disease. This variant is not present in population databases (ExAC no frequency). This sequence change replaces serine with proline at codon 503 of the PMS2 protein (p.Ser503Pro). The serine residue is moderately conserved and there is a moderate physicochemical difference between serine and proline.